The following is an entry in ClinVar:

NM_004444.5(EPHB4):c.1918_1919insCTT (p.Lys640delinsThrTer)

Gene: EPHB4 (EPH receptor B4; minus strand). Cytogenetic location: 7q22.1.
Variant type: Insertion.
Coding change: c.1918_1919insCTT on transcript NM_004444.5 (MANE Select); coding-DNA positions 1918 to 1919, CTT inserted.
Protein change: p.Lys640delinsThrTer.
Molecular consequence: nonsense.
Genome position: GRCh38 VCF-style: chr7-100812946-T-TAAG. GRCh37 (hg19) VCF-style: chr7-100410568-T-TAAG.
Identifiers: ClinVar variation 3382342 (VCV003382342.3).

ClinVar aggregate classification (germline): Likely pathogenic (1 of 4 stars; one submission).

Conditions:
Capillary malformation-arteriovenous malformation 2 (CMAVM2). Identifiers: Orphanet 693912, MedGen C4748670, MONDO:0020785, OMIM 618196.
Lymphatic malformation 7 (LMPHM7). Also called: Hydrops fetalis, nonimmune, and/or atrial septal defect, susceptibility to. Identifiers: MedGen C4310629, MONDO:0015009, OMIM 617300.

Submission:

Juno Genomics, Hangzhou Juno Genomics, Inc
Classification: Likely pathogenic for Capillary malformation-arteriovenous malformation 2; Lymphatic malformation 7. Review status: criteria provided, single submitter. Criteria: ACMG Guidelines, 2015. Collection method: clinical testing. Allele origin: germline.
Comment: Absent from controls (or at extremely low frequency if recessive) in Genome Aggregation Database.;Null variant in a gene where loss of function (LOF) is a known mechanism of disease.